The following is an entry in ClinVar:

ClinVar aggregate classification (germline): Uncertain significance (1 of 4 stars; one submission).

Submission:

Labcorp Genetics (formerly Invitae), Labcorp
Classification: Uncertain significance. Last evaluated: 2025-02-24. Review status: criteria provided, single submitter. Criteria: Invitae Variant Classification Sherloc (09022015). Collection method: clinical testing. Allele origin: germline.
Comment: This sequence change replaces asparagine, which is neutral and polar, with lysine, which is basic and polar, at codon 60 of the MYO1E protein (p.Asn60Lys). This variant is not present in population databases (gnomAD no frequency). This variant has not been reported in the literature in individuals affected with MYO1E-related conditions. Invitae Evidence Modeling of protein sequence and biophysical properties (such as structural, functional, and spatial information, amino acid conservation, physicochemical variation, residue mobility, and thermodynamic stability) indicates that this missense variant is expected to disrupt MYO1E protein function with a positive predictive value of 80%. In summary, the available evidence is currently insufficient to determine the role of this variant in disease. Therefore, it has been classified as a Variant of Uncertain Significance.

NM_004998.4(MYO1E):c.180C>A (p.Asn60Lys)

Gene: MYO1E (myosin IE; minus strand). Cytogenetic location: 15q22.2.
Variant type: single nucleotide variant.
Coding change: c.180C>A on transcript NM_004998.4 (MANE Select); coding-DNA position 180, C replaced by A.
Protein change: p.Asn60Lys; replaces asparagine 60 with lysine.
Molecular consequence: missense variant.
Genome position (GRCh38, 1-based): chr15:59,261,477, G>T on the plus strand (C>A on the coding strand, the complement: MYO1E is on the minus strand). VCF-style: chr15-59261477-G-T. GRCh37 (hg19) VCF-style: chr15-59553676-G-T.
Other names: short protein forms N60K.
Identifiers: ClinVar variation 3632781 (VCV003632781.2).